The following is an entry in ClinVar:

NM_001005273.3(CHD3):c.4666+7A>T

Gene: CHD3 (chromodomain helicase DNA binding protein 3; plus strand). Cytogenetic location: 17p13.1.
Variant type: single nucleotide variant.
Coding change: c.4666+7A>T on transcript NM_001005273.3 (MANE Select); 7 bases into the intron after coding-DNA position 4666, A replaced by T.
Molecular consequence: intron variant.
Genome position (GRCh38, 1-based): chr17:7,907,038, A>T. VCF-style: chr17-7907038-A-T. GRCh37 (hg19) VCF-style: chr17-7810356-A-T.
Other names: c.4843+7A>T (NM_001005271.3); c.4666+7A>T (NM_005852.4).
Identifiers: ClinVar variation 3035975 (VCV003035975.2), dbSNP rs750559708, ClinGen allele CA8363420.

ClinVar aggregate classification (germline): Likely benign (0 of 4 stars; one submission).

Conditions:
CHD3-related disorder. Also called: CHD3-related condition.

Allele frequency attached by ClinVar (database versions not stated): gnomAD exomes below 0.00001; ExAC 0.00002.
gnomAD v4.1: 8 of 1,614,006 alleles (0.0005%); highest among the groups gnomAD compares: African/African-American, 0.008%; no homozygotes.

Submission:

PreventionGenetics, part of Exact Sciences
Classification: Likely benign for CHD3-related condition. Last evaluated: 2022-01-20. Review status: no assertion criteria provided. Collection method: clinical testing. Allele origin: germline.
Comment: This variant is classified as likely benign based on ACMG/AMP sequence variant interpretation guidelines (Richards et al. 2015 PMID: 25741868, with internal and published modifications).